The following is an entry in ClinVar:

ClinVar aggregate classification (germline): Uncertain significance (1 of 4 stars; one submission).

Submission:

GeneDx
Classification: Uncertain significance. Last evaluated: 2024-07-22. Review status: criteria provided, single submitter. Criteria: GeneDx Variant Classification Process June 2021. Collection method: clinical testing. Allele origin: germline. Affected: yes.
Comment: Not observed at significant frequency in large population cohorts (gnomAD); In silico analysis supports that this missense variant has a deleterious effect on protein structure/function; Has not been previously published as pathogenic or benign to our knowledge; This variant is associated with the following publications: (PMID: 21330303)

NM_007175.8(ERLIN2):c.344T>A (p.Leu115His)

Gene: ERLIN2 (ER lipid raft associated 2; plus strand). Cytogenetic location: 8p11.23.
Variant type: single nucleotide variant.
Coding change: c.344T>A on transcript NM_007175.8 (MANE Select); coding-DNA position 344, T replaced by A.
Protein change: p.Leu115His; replaces leucine 115 with histidine.
Molecular consequence: missense variant.
Genome position (GRCh38, 1-based): chr8:37,744,616, T>A. VCF-style: chr8-37744616-T-A. GRCh37 (hg19) VCF-style: chr8-37602134-T-A.
Other names: c.344T>A, p.Leu115His (NM_001003790.4, NM_001003791.3, NM_001362878.2 and 1 more transcripts); short protein forms L115H.
Identifiers: ClinVar variation 3600685 (VCV003600685.1).